The following is an entry in ClinVar:

ClinVar aggregate classification (germline): Uncertain significance (1 of 4 stars; one submission).

Conditions:
KMT2D-related disorder. Also called: KMT2D-Related Disorders.

gnomAD v4.1: 3 of 1,613,636 alleles (0.00019%); highest among the groups gnomAD compares: Non-Finnish European, 0.00017%; no homozygotes.

Submission:

PreventionGenetics, part of Exact Sciences
Classification: Uncertain significance for KMT2D-related condition. Last evaluated: 2026-04-02. Review status: criteria provided, single submitter. Criteria: ACMG Guidelines, 2015. Collection method: clinical testing. Allele origin: germline.
Comment: The KMT2D c.14411C>T variant is predicted to result in the amino acid substitution p.Ala4804Val. To our knowledge, this variant has not been reported in the literature or in a large population database (gnomAD), indicating this variant is rare. At this time, the clinical significance of this variant is uncertain due to the absence of conclusive functional and genetic evidence.

NM_003482.4(KMT2D):c.14411C>T (p.Ala4804Val)

Gene: KMT2D (lysine methyltransferase 2D; minus strand). Cytogenetic location: 12q13.12.
Variant type: single nucleotide variant.
Coding change: c.14411C>T on transcript NM_003482.4 (MANE Select); coding-DNA position 14411, C replaced by T.
Protein change: p.Ala4804Val; replaces alanine 4804 with valine.
Molecular consequence: missense variant.
Genome position (GRCh38, 1-based): chr12:49,028,113, G>A on the plus strand (C>T on the coding strand, the complement: KMT2D is on the minus strand). VCF-style: chr12-49028113-G-A. GRCh37 (hg19) VCF-style: chr12-49421896-G-A.
Other names: short protein forms A4804V.
Identifiers: ClinVar variation 4985512 (VCV004985512.1).